The following is an entry in ClinVar:

ClinVar aggregate classification (germline): Pathogenic (1 of 4 stars; one submission).

Conditions:
Pheochromocytoma. Also called: MAX-Related Hereditary Paraganglioma-Pheochromocytoma Syndrome. Identifiers: Orphanet 29072, MedGen C0031511, MONDO:0008233, OMIM 171300, HP:0002666.
Paragangliomas with sensorineural hearing loss. Identifiers: MedGen C1868633.
Carney-Stratakis syndrome. Also called: PARAGANGLIOMA AND GASTROINTESTINAL STROMAL TUMOR. Identifiers: Orphanet 97286, MedGen C1847319, MONDO:0011740, OMIM 606864.
Cowden syndrome 3 (CWS3). Identifiers: Orphanet 201, MedGen CN166604, MONDO:0014045.

Submission:

Labcorp Genetics (formerly Invitae), Labcorp
Classification: Pathogenic for Carney-Stratakis syndrome; Paragangliomas with sensorineural hearing loss; Pheochromocytoma; Cowden syndrome 3. Last evaluated: 2025-07-14. Review status: criteria provided, single submitter. Criteria: Invitae Variant Classification Sherloc (09022015). Collection method: clinical testing. Allele origin: germline.
Comment: This sequence change creates a premature translational stop signal (p.Trp66Glyfs*20) in the SDHD gene. It is expected to result in an absent or disrupted protein product. Loss-of-function variants in SDHD are known to be pathogenic (PMID: 19454582, 19802898). This variant is not present in population databases (gnomAD no frequency). This variant has not been reported in the literature in individuals affected with SDHD-related conditions. For these reasons, this variant has been classified as Pathogenic.

Literature cited by the submitters: PubMed 19454582; PubMed 19802898.

NM_003002.4(SDHD):c.196del (p.Trp66fs)

Gene: SDHD (succinate dehydrogenase complex subunit D; plus strand). Cytogenetic location: 11q23.1.
Variant type: Deletion.
Coding change: c.196del on transcript NM_003002.4 (MANE Select); coding-DNA position 196, one base deleted (T; older notation c.196delT).
Protein change: p.Trp66fs; shifts the reading frame from tryptophan 66.
Molecular consequence: frameshift variant. On other transcripts: non-coding transcript variant (1), intron variant (1).
Genome position (GRCh38, 1-based): chr11:112,088,893, T deleted. VCF-style (leftmost placement, unchanged base first): chr11-112088892-CT-C. GRCh37 (hg19) VCF-style: chr11-111959616-CT-C.
Other names: c.79del, p.Trp27fs (NM_001276504.2); c.196del, p.Trp66fs (NM_001276506.2); c.169+920del (NM_001276503.2); short protein forms W27fs, W66fs.
Identifiers: ClinVar variation 4785573 (VCV004785573.1).
Genomic context (GRCh38, chr11:112,088,892, plus strand): 5'-CACATCAACTTTTATGAATCTGGTCCTTTTTGTAGCTGGCTCCAAGGCTGCATCTCTCCA[CT>C]GGACTAGCGAGAGGGTTGTCAGTGTTTTGCTCCTGGGTCTGCTTCCGGCTGCTTATTTGA-3'